The following is an entry in ClinVar:

NM_001197104.2(KMT2A):c.5824C>G (p.Pro1942Ala)

Gene: KMT2A (lysine methyltransferase 2A; plus strand). Cytogenetic location: 11q23.3.
Variant type: single nucleotide variant.
Coding change: c.5824C>G on transcript NM_001197104.2 (MANE Select); coding-DNA position 5824, C replaced by G.
Protein change: p.Pro1942Ala; replaces proline 1942 with alanine.
Molecular consequence: missense variant.
Genome position (GRCh38, 1-based): chr11:118,498,391, C>G. VCF-style: chr11-118498391-C-G. GRCh37 (hg19) VCF-style: chr11-118369106-C-G.
Other names: c.5914C>G, p.Pro1972Ala (NM_001412597.1); c.5815C>G, p.Pro1939Ala (NM_005933.4); short protein forms P1939A, P1942A, P1972A.
Identifiers: ClinVar variation 1997368 (VCV001997368.4), dbSNP rs2134366424, ClinGen allele CA382798501.
Genomic context (GRCh38, chr11:118,498,391, plus strand): 5'-GAAAGTCTGAATAGGACTCTGTTCTTTTTGGATTTTTAGAGATGTGAATTCTGCCAAAAG[C>G]CAGGAGCCACCGTGGGTTGCTGTCTCACATCCTGCACCAGCAACTATCACTTCATGTGTT-3'
Protein context (NP_001184033.1, residues 1932-1952): KQLRCEFCQK[Pro1942Ala]GATVGCCLTS

ClinVar aggregate classification (germline): Uncertain significance (1 of 4 stars; one submission).

Submission:

Labcorp Genetics (formerly Invitae), Labcorp
Classification: Uncertain significance. Last evaluated: 2022-05-21. Review status: criteria provided, single submitter. Criteria: Invitae Variant Classification Sherloc (09022015). Collection method: clinical testing. Allele origin: germline.
Comment: In summary, the available evidence is currently insufficient to determine the role of this variant in disease. Therefore, it has been classified as a Variant of Uncertain Significance. Algorithms developed to predict the effect of missense changes on protein structure and function (SIFT, PolyPhen-2, Align-GVGD) all suggest that this variant is likely to be tolerated. This variant has not been reported in the literature in individuals affected with KMT2A-related conditions. This variant is not present in population databases (gnomAD no frequency). This sequence change replaces proline, which is neutral and non-polar, with alanine, which is neutral and non-polar, at codon 1942 of the KMT2A protein (p.Pro1942Ala).